The following is an entry in ClinVar:

ClinVar aggregate classification (germline): Likely benign. Review status: criteria provided, multiple submitters, no conflicts (2 of 4 stars). 4 submissions from 4 submitters: Likely benign (3). 1 of the submissions does not count toward it. Last evaluated 2026-01-31.

Conditions:
ZNF469-related disorder. Also called: ZNF469-related condition.
Cardiovascular phenotype. Identifiers: MedGen CN230736.

Allele frequency attached by ClinVar (database versions not stated): gnomAD exomes 0.00005; 1000 Genomes Project 0.00060; 1000 Genomes Project 30x 0.00078; gnomAD 0.00097 and 0.00109; TOPMed 0.00100.
gnomAD v4.1: 241 of 1,503,082 alleles (0.016%); highest among the groups gnomAD compares: African/African-American, 0.3%; no homozygotes.

Submissions (4):

Labcorp Genetics (formerly Invitae), Labcorp
Classification: Likely benign. Last evaluated: 2026-01-31. Review status: criteria provided, single submitter. Criteria: Invitae Variant Classification Sherloc (09022015). Collection method: clinical testing. Allele origin: germline.

Women's Health and Genetics/Laboratory Corporation of America, LabCorp
Classification: Likely benign. Last evaluated: 2024-10-21. Review status: criteria provided, single submitter. Criteria: LabCorp Variant Classification Summary - May 2015. Collection method: clinical testing. Allele origin: germline.
Comment: Variant summary: ZNF469 c.3121G>A (p.Ala1041Thr) results in a non-conservative amino acid change in the encoded protein sequence. Three of four in-silico tools predict a damaging effect of the variant on protein function. The variant allele was found at a frequency of 0.00016 in 1503082 control chromosomes, predominantly at a frequency of 0.003 within the African or African-American subpopulation in the gnomAD database. The observed variant frequency within African or African-American control individuals in the gnomAD database is approximately 2.7 fold of the estimated maximal expected allele frequency for a pathogenic variant in ZNF469 causing Brittle Cornea Syndrome 1 phenotype (0.0011). To our knowledge, no occurrence of c.3121G>A in individuals affected with Brittle Cornea Syndrome 1 and no experimental evidence demonstrating its impact on protein function have been reported. ClinVar contains an entry for this variant (Variation ID: 1528323). Based on the evidence outlined above, the variant was classified as likely benign.

Ambry Genetics
Classification: Likely benign for Cardiovascular phenotype. Last evaluated: 2024-06-16. Review status: criteria provided, single submitter. Criteria: Ambry Variant Classification Scheme 2023. Collection method: clinical testing. Allele origin: germline.

PreventionGenetics, part of Exact Sciences
Classification: Likely benign for ZNF469-related condition. Last evaluated: 2024-07-03. Review status: no assertion criteria provided. Collection method: clinical testing. Allele origin: germline. Not counted in ClinVar's aggregate classification.
Comment: This variant is classified as likely benign based on ACMG/AMP sequence variant interpretation guidelines (Richards et al. 2015 PMID: 25741868, with internal and published modifications).

NM_001367624.2(ZNF469):c.3121G>A (p.Ala1041Thr)

Gene: ZNF469 (zinc finger protein 469; plus strand). Cytogenetic location: 16q24.2.
Variant type: single nucleotide variant.
Coding change: c.3121G>A on transcript NM_001367624.2 (MANE Select); coding-DNA position 3121, G replaced by A.
Protein change: p.Ala1041Thr; replaces alanine 1041 with threonine.
Molecular consequence: missense variant.
Genome position (GRCh38, 1-based): chr16:88,430,591, G>A. VCF-style: chr16-88430591-G-A. GRCh37 (hg19) VCF-style: chr16-88496999-G-A.
Other names: NM_001127464.1:c.3121G>A; NM_001127464.2:c.3121G>A; short protein forms A1041T.
Identifiers: ClinVar variation 1528323 (VCV001528323.13), dbSNP rs191396489, ClinGen allele CA8224827.